The following is an entry in ClinVar:

NM_000426.4(LAMA2):c.3041G>T (p.Cys1014Phe)

Gene: LAMA2 (laminin subunit alpha 2; plus strand). Cytogenetic location: 6q22.33.
Variant type: single nucleotide variant.
Coding change: c.3041G>T on transcript NM_000426.4 (MANE Select); coding-DNA position 3041, G replaced by T.
Protein change: p.Cys1014Phe; replaces cysteine 1014 with phenylalanine.
Molecular consequence: missense variant.
Genome position (GRCh38, 1-based): chr6:129,300,739, G>T. VCF-style: chr6-129300739-G-T. GRCh37 (hg19) VCF-style: chr6-129621884-G-T.
Other names: c.3041G>T, p.Cys1014Phe (NM_001079823.2); short protein forms C1014F.
Identifiers: ClinVar variation 1049064 (VCV001049064.1), dbSNP rs2114460754, ClinGen allele CA365611316.
Genomic context (GRCh38, chr6:129,300,739, plus strand): 5'-TGTGTCAAATTTTTACTATTTTTCCCCTTCTTTGTTTTCCCTCTTATACCGGTGAAGCTT[G>T]TGAATGTTCTCATCTGGGTAATAATTGTGACCCAAAGACTGGGCGATGCATTTGCCCTCC-3'
Protein context (NP_000417.3, residues 1004-1024): FNFQEGGCTA[Cys1014Phe]ECSHLGNNCD

ClinVar aggregate classification (germline): Uncertain significance (0 of 4 stars; one submission).

Allele frequency attached by ClinVar (database versions not stated): gnomAD exomes below 0.00001.
gnomAD v4.1: 2 of 1,613,672 alleles (0.00012%); highest among the groups gnomAD compares: Non-Finnish European, 0.000085%; no homozygotes.

Submission:

Department of Pathology and Laboratory Medicine, Sinai Health System
Classification: Uncertain significance. Review status: no assertion criteria provided. Collection method: clinical testing. Allele origin: unknown. Affected: yes. Study: The Canadian Open Genetics Repository (COGR).
Comment: The LAMA2 p.Cys1014Phe variant was not identified in the literature nor was it identified in dbSNP, ClinVar or in the following control databases: the 1000 Genomes Project, the NHLBI GO Exome Sequencing Project, or the Genome Aggregation Database (March 6, 2019, v2.1.1). The p.Cys1014 residue is conserved across mammals and other organisms, and four out of five computational analyses (PolyPhen-2, SIFT, AlignGVGD, BLOSUM, MutationTaster) suggest that the variant may impact the protein; however, this information is not predictive enough to assume pathogenicity. The variant occurs outside of the splicing consensus sequence and in silico or computational prediction software programs (SpliceSiteFinder, MaxEntScan, NNSPLICE, GeneSplicer) do not predict a difference in splicing. In summary, based on the above information the clinical significance of this variant cannot be determined with certainty at this time. This variant is classified as a variant of uncertain significance.